The following is an entry in ClinVar:

NM_016239.4(MYO15A):c.4581del (p.Thr1528fs)

Gene: MYO15A (myosin XVA; plus strand). Cytogenetic location: 17p11.2.
Variant type: Deletion.
Coding change: c.4581del on transcript NM_016239.4 (MANE Select); coding-DNA position 4581, one base deleted (C; older notation c.4581delC).
Protein change: p.Thr1528fs; shifts the reading frame from threonine 1528.
Molecular consequence: frameshift variant.
Genome position (GRCh38, 1-based): chr17:18,135,809, C deleted. VCF-style (leftmost placement, unchanged base first): chr17-18135808-TC-T. GRCh37 (hg19) VCF-style: chr17-18039122-TC-T.
Other names: c.4581delC (NM_016239.3); c.4581del (NM_016239.3); short protein forms T1528fs.
Identifiers: ClinVar variation 817742 (VCV000817742.5), dbSNP rs1597784648, ClinGen allele CA915949623.

ClinVar aggregate classification (germline): Pathogenic. Review status: criteria provided, multiple submitters, no conflicts (2 of 4 stars). 2 submissions from 2 submitters: Pathogenic (2). Last evaluated 2024-10-09.

Allele frequency attached by ClinVar (database versions not stated): gnomAD exomes below 0.00001.

Submissions (2):

GeneDx
Classification: Pathogenic. Last evaluated: 2024-10-09. Review status: criteria provided, single submitter. Criteria: GeneDx Variant Classification Process June 2021. Collection method: clinical testing. Allele origin: germline. Affected: yes.
Comment: Frameshift variant predicted to result in protein truncation or nonsense mediated decay in a gene for which loss of function is a known mechanism of disease; Not observed at significant frequency in large population cohorts (gnomAD); This variant is associated with the following publications: (PMID: 32860223)

Labcorp Genetics (formerly Invitae), Labcorp
Classification: Pathogenic. Last evaluated: 2023-11-18. Review status: criteria provided, single submitter. Criteria: Invitae Variant Classification Sherloc (09022015). Collection method: clinical testing. Allele origin: germline.
Comment: This sequence change creates a premature translational stop signal (p.Thr1528Profs*4) in the MYO15A gene. It is expected to result in an absent or disrupted protein product. Loss-of-function variants in MYO15A are known to be pathogenic (PMID: 17546645). This variant is not present in population databases (gnomAD no frequency). This premature translational stop signal has been observed in individual(s) with non-syndromic deafness (PMID: 32860223). ClinVar contains an entry for this variant (Variation ID: 817742). Algorithms developed to predict the effect of sequence changes on RNA splicing suggest that this variant may disrupt the consensus splice site. For these reasons, this variant has been classified as Pathogenic.

Literature cited by the submitters: PubMed 17546645 (cited by Labcorp Genetics (formerly Invitae), Labcorp); PubMed 32860223 (cited by Labcorp Genetics (formerly Invitae), Labcorp).